The following is an entry in ClinVar:

ClinVar aggregate classification (germline): Pathogenic (0 of 4 stars; one submission).

Conditions:
Steinert myotonic dystrophy syndrome (DM1). Also called: STEINERT DISEASE; Myotonic dystrophy type 1; Dystrophia myotonica type 1; Steinert myotonic dystrophy; Steinert's disease. Identifiers: Orphanet 273, MedGen C3250443, MONDO:0008056, OMIM 160900.

Submission:

Institute of Molecular, Cell and Systems Biology, University of Glasgow
Classification: Pathogenic for Steinert myotonic dystrophy syndrome. Review status: no assertion criteria provided. Criteria: research. Collection method: research. Allele origin: germline. Inheritance: Autosomal dominant inheritance. Affected: yes. Observed: 1 heterozygote.
Comment: DMPK CTG repeat expansions greater than approximately 45-50 repeats are assumed to be pathogenic

This record is based on data published in PubMed 25052313, which reports only ClinVar accessions SCV000120188 and SCV000120189. The complete data set includes SCV000207445 - SCV000207579.

Literature cited by the submitters: PubMed 1346923; PubMed 1546326; PubMed 25052313.

NM_004409.4(DMPK):c.*224CTG[1502]

Genes: DM1-AS (DM1 locus antisense RNA; plus strand), DMPK (DM1 protein kinase; minus strand), LOC107075317 (origin of replication in DMPK trinucleotide repeat region; plus strand), LOC109461477 (dystrophia myotonica protein kinase repeat instability region; plus strand). Cytogenetic location: 19q13.32.
Variant type: Microsatellite.
Coding change: c.*224CTG[1502] on transcript NM_004409.4; 1,502 copies in a row of the 3-base unit CTG starting at c.*224.
Other names: DM1 CTG repeat expansion.
Identifiers: ClinVar variation 187925 (VCV000187925.1).